The following is an entry in ClinVar:

NM_001174089.2(SLC4A11):c.1960A>G (p.Met654Val)

Gene: SLC4A11 (solute carrier family 4 member 11; minus strand). Cytogenetic location: 20p13.
Variant type: single nucleotide variant.
Coding change: c.1960A>G on transcript NM_001174089.2 (MANE Select); coding-DNA position 1960, A replaced by G.
Protein change: p.Met654Val; replaces methionine 654 with valine.
Molecular consequence: missense variant. On other transcripts: non-coding transcript variant (1).
Genome position (GRCh38, 1-based): chr20:3,229,153, T>C on the plus strand (A>G on the coding strand, the complement: SLC4A11 is on the minus strand). VCF-style: chr20-3229153-T-C. GRCh37 (hg19) VCF-style: chr20-3209799-T-C.
Other names: c.2089A>G, p.Met697Val (NM_001174090.2); c.1846A>G, p.Met616Val (NM_001363745.2); c.2008A>G, p.Met670Val (NM_032034.4); short protein forms M654V, M670V, M616V, M697V.
Identifiers: ClinVar variation 338241 (VCV000338241.8), dbSNP rs762735932, ClinGen allele CA9741656.
Genomic context (GRCh38, chr20:3,229,153, plus strand): 5'-ACCTGTTCTCCGGTGCATTCACCAAGGCGGCCACCAAGTTCTGCTCGATGAAGAAGAGCA[T>C]GGACAGCAGGAAGCCGAGGCCCATGGCACCGCTGACGGCCCTCAGGGACAGCGACTGGAT-3'
Protein context (NP_001167560.1, residues 644-664): GAMGLGFLLS[Met654Val]LFFIEQNLVA

ClinVar aggregate classification (germline): Uncertain significance. Review status: criteria provided, multiple submitters, no conflicts (2 of 4 stars). 2 submissions from 2 submitters: Uncertain significance (2). Last evaluated 2022-08-15.

Conditions:
Corneal dystrophy. Identifiers: Orphanet 34533, MedGen C0010036, MONDO:0018102, HP:0001131.

Allele frequency attached by ClinVar (database versions not stated): gnomAD exomes below 0.00001 and 0.00001; ExAC 0.00001; gnomAD 0.00001; TOPMed 0.00001.
gnomAD v4.1: 5 of 1,603,106 alleles (0.00031%); highest among the groups gnomAD compares: East Asian, 0.0023%; no homozygotes.

Submissions (2):

Labcorp Genetics (formerly Invitae), Labcorp
Classification: Uncertain significance. Last evaluated: 2022-08-15. Review status: criteria provided, single submitter. Criteria: Invitae Variant Classification Sherloc (09022015). Collection method: clinical testing. Allele origin: germline.
Comment: In summary, the available evidence is currently insufficient to determine the role of this variant in disease. Therefore, it has been classified as a Variant of Uncertain Significance. Algorithms developed to predict the effect of missense changes on protein structure and function (SIFT, PolyPhen-2, Align-GVGD) all suggest that this variant is likely to be tolerated. ClinVar contains an entry for this variant (Variation ID: 338241). This variant has not been reported in the literature in individuals affected with SLC4A11-related conditions. This variant is present in population databases (rs762735932, gnomAD 0.003%). This sequence change replaces methionine, which is neutral and non-polar, with valine, which is neutral and non-polar, at codon 670 of the SLC4A11 protein (p.Met670Val).

Illumina Laboratory Services, Illumina
Classification: Uncertain significance for Corneal dystrophy. Last evaluated: 2018-01-13. Review status: criteria provided, single submitter. Criteria: ICSL Variant Classification Criteria 13 December 2019. Collection method: clinical testing. Allele origin: germline.